The following is an entry in ClinVar:

ClinVar aggregate classification (germline): Conflicting classifications of pathogenicity. Review status: criteria provided, conflicting classifications (1 of 4 stars). 9 submissions from 9 submitters: Uncertain significance (7); Likely benign (1). 1 of the submissions does not count toward it. Last evaluated 2026-08-06.

Conditions:
Usher syndrome type 1B (USH1B). Also called: Usher syndrome type IB. Identifiers: MedGen C1848638, MONDO:0700087.
Usher syndrome type 1 (USH1). Also called: RETINITIS PIGMENTOSA AND CONGENITAL DEAFNESS. Identifiers: Orphanet 231169, Orphanet 886, MedGen C1568247, MONDO:0010168, OMIM 276900.
Autosomal recessive nonsyndromic hearing loss 2. Also called: NEUROSENSORY NONSYNDROMIC RECESSIVE DEAFNESS 2; DEAFNESS, AUTOSOMAL RECESSIVE 2. Identifiers: Orphanet 90636, MedGen C1838701, MONDO:0010807, OMIM 600060.
Autosomal dominant nonsyndromic hearing loss 11. Identifiers: Orphanet 90635, MedGen C1832475, MONDO:0011032, OMIM 601317.

Allele frequency attached by ClinVar (database versions not stated): gnomAD exomes 0.00004 and 0.00010; ExAC 0.00012; 1000 Genomes Project 0.00040; ESP Exome Variant Server 0.00040; gnomAD 0.00041 and 0.00045; 1000 Genomes Project 30x 0.00047; TOPMed 0.00050.
gnomAD v4.1: 123 of 1,613,982 alleles (0.0076%); highest among the groups gnomAD compares: African/African-American, 0.14%; no homozygotes.

Submissions (9):

OLLIN Analises Genomicas, OLLIN
Classification: Uncertain significance for Usher syndrome type 1. Last evaluated: 2026-08-06. Review status: criteria provided, single submitter. Criteria: ACMG Guidelines 2015 PMID 25741868. Collection method: clinical testing. Allele origin: germline. Inheritance: Autosomal dominant inheritance.
Comment: This missense variant, located in exon 7 (of 49), has been reported in ClinVar (accession VCV000504644.38) and in gnomAD with an allele frequency of 0.0076%. However, to our knowledge, it has not been reported in the scientific literature. In silico analysis predicts that this variant has a deleterious effect. According to the currently available evidence, this variant has been classified as uncertain significance (PM2_P, PP3).

Labcorp Genetics (formerly Invitae), Labcorp
Classification: Likely benign. Last evaluated: 2026-01-26. Review status: criteria provided, single submitter. Criteria: Invitae Variant Classification Sherloc (09022015). Collection method: clinical testing. Allele origin: germline.

GeneDx
Classification: Uncertain significance. Last evaluated: 2024-04-25. Review status: criteria provided, single submitter. Criteria: GeneDx Variant Classification Process June 2021. Collection method: clinical testing. Allele origin: germline. Affected: yes.
Comment: In silico analysis supports that this missense variant has a deleterious effect on protein structure/function; Has not been previously published as pathogenic or benign to our knowledge

Blueprint Genetics
Classification: Uncertain significance. Last evaluated: 2023-12-14. Review status: criteria provided, single submitter. Criteria: ACMG Guidelines, 2015. Collection method: clinical testing. Allele origin: germline.

CeGaT Center for Human Genetics Tuebingen
Classification: Uncertain significance. Last evaluated: 2023-12-01. Review status: criteria provided, single submitter. Criteria: CeGaT Center For Human Genetics Tuebingen Variant Classification Criteria Version 2. Collection method: clinical testing. Allele origin: germline. Affected: yes. Observed: 1 variant allele.
Comment: MYO7A: PM2, PP3

Laboratory for Molecular Medicine, Mass General Brigham Personalized Medicine
Classification: Uncertain significance. Last evaluated: 2018-01-25. Review status: criteria provided, single submitter. Criteria: LMM Criteria. Collection method: clinical testing. Allele origin: germline. Observed: 1 variant allele.
Comment: The p.Ile205Thr variant in MYO7A has not been previously reported in individuals with hearing loss, but has been identified in 0.13% (32/24016) of African chrom osomes by the Genome Aggregation Database (gnomAD. org; dbSNP rs200241993). Although this variant has been identified in the genera l population, its frequency is not high enough to rule out a pathogenic role. Co mputational prediction tools and conservation analysis suggest that this variant may impact the protein, though this information is not predictive enough to det ermine pathogenicity. In summary, the clinical significance of the p.Ile205Thr v ariant is uncertain. ACMG/AMP Criteria applied: PP3.

Eurofins Ntd Llc (ga)
Classification: Uncertain significance. Last evaluated: 2017-11-28. Review status: criteria provided, single submitter. Criteria: EGL Classification Definitions 2015. Collection method: clinical testing. Allele origin: germline. Observed: 1 variant allele, 1 heterozygote.

Juno Genomics, Hangzhou Juno Genomics, Inc
Classification: Uncertain significance for Autosomal dominant nonsyndromic hearing loss 11; Autosomal recessive nonsyndromic hearing loss 2; Usher syndrome type 1. Review status: criteria provided, single submitter. Criteria: ACMG Guidelines, 2015. Collection method: clinical testing. Allele origin: germline.
Comment: Absent from controls (or at extremely low frequency if recessive) in Genome Aggregation Database.;Multiple lines of computational evidence support a deleterious effect on the gene or gene product.

Natera, Inc.
Classification: Uncertain significance for Usher syndrome type 1B. Last evaluated: 2020-01-24. Review status: no assertion criteria provided. Collection method: clinical testing. Allele origin: germline. Not counted in ClinVar's aggregate classification.

NM_000260.4(MYO7A):c.614T>C (p.Ile205Thr)

Gene: MYO7A (myosin VIIA; plus strand). Cytogenetic location: 11q13.5.
Variant type: single nucleotide variant.
Coding change: c.614T>C on transcript NM_000260.4 (MANE Select); coding-DNA position 614, T replaced by C.
Protein change: p.Ile205Thr; replaces isoleucine 205 with threonine.
Molecular consequence: missense variant.
Genome position (GRCh38, 1-based): chr11:77,156,883, T>C. VCF-style: chr11-77156883-T-C. GRCh37 (hg19) VCF-style: chr11-76867929-T-C.
Other names: c.614T>C, p.Ile205Thr (NM_001127180.2); c.581T>C, p.Ile194Thr (NM_001369365.1); short protein forms I205T, I194T.
Identifiers: ClinVar variation 504644 (VCV000504644.41), dbSNP rs200241993, ClinGen allele CA6197202.